The following is an entry in ClinVar:

NM_001042492.3(NF1):c.2991-2A>G

Gene: NF1 (neurofibromin 1; plus strand). Cytogenetic location: 17q11.2.
Variant type: single nucleotide variant.
Coding change: c.2991-2A>G on transcript NM_001042492.3 (MANE Select); the canonical splice acceptor site of the intron before coding-DNA position 2991, A replaced by G.
Molecular consequence: splice acceptor variant.
Genome position (GRCh38, 1-based): chr17:31,230,258, A>G. VCF-style: chr17-31230258-A-G. GRCh37 (hg19) VCF-style: chr17-29557276-A-G.
Other names: c.2991-2A>G (NM_000267.3, NM_000267.4).
Identifiers: ClinVar variation 987118 (VCV000987118.16), dbSNP rs1555614495, ClinGen allele CA398986493.

ClinVar aggregate classification (germline): Pathogenic/Likely pathogenic. Review status: criteria provided, multiple submitters, no conflicts (2 of 4 stars). 10 submissions from 10 submitters: Pathogenic (6); Likely pathogenic (4). Last evaluated 2026-01-26.

Conditions:
Cardiovascular phenotype. Identifiers: MedGen CN230736.
Hereditary cancer-predisposing syndrome. Also called: Hereditary Cancer Syndrome; Tumor predisposition; Neoplastic Syndromes, Hereditary; Hereditary neoplastic syndrome. Identifiers: Orphanet 140162, MedGen C0027672, MeSH D009386, MONDO:0015356.
Neurofibromatosis, type 1 (NF1). Also called: Neurofibromatosis, type I; NEUROFIBROMATOSIS, TYPE I, SOMATIC; Peripheral type neurofibromatosis; VON RECKLINGHAUSEN DISEASE. Identifiers: Orphanet 636, MedGen C0027831, MONDO:0018975, OMIM 162200. Disease mechanism: loss of function.
Neurofibromatosis-Noonan syndrome (NFNS). Also called: NEUROFIBROMATOSIS WITH NOONAN PHENOTYPE. Identifiers: Orphanet 638, MedGen C2931482, MONDO:0011035, OMIM 601321. Disease mechanism: loss of function.
Café-au-lait macules with pulmonary stenosis (WTSN). Also called: PULMONIC STENOSIS WITH CAFE-AU-LAIT SPOTS. Identifiers: MedGen C0553586, MONDO:0008672, OMIM 193520.
Juvenile myelomonocytic leukemia (JMML). Also called: LEUKEMIA, JUVENILE MYELOMONOCYTIC, SOMATIC. Identifiers: Orphanet 86834, MedGen C0349639, MONDO:0011908, OMIM 607785, HP:0012209.
Neurofibromatosis, familial spinal (FSNF). Identifiers: Orphanet 636, MedGen C1834235, MONDO:0008078, OMIM 162210. Disease mechanism: loss of function.
NF1-related disorder. Also called: NF1-related condition. Identifiers: MedGen CN379171.

Submissions (10):

Labcorp Genetics (formerly Invitae), Labcorp
Classification: Pathogenic for Neurofibromatosis, type 1. Last evaluated: 2026-01-26. Review status: criteria provided, single submitter. Criteria: Invitae Variant Classification Sherloc (09022015). Collection method: clinical testing. Allele origin: germline.
Comment: This sequence change affects an acceptor splice site in intron 22 of the NF1 gene. RNA analysis indicates that disruption of this splice site induces altered splicing and likely results in a shortened protein product. This variant is not present in population databases (gnomAD no frequency). Disruption of this splice site has been observed in individuals with clinical features of neurofibromatosis type 1 (PMID: 10543400, 10712197, 24357598, 28529006, 29673180; internal data). Invitae Evidence Modeling of clinical and family history, age, sex, and reported ancestry of multiple individuals with this NF1 variant has been performed. This variant is expected to be pathogenic with a positive predictive value of at least 99%. This is a validated machine learning model that incorporates the clinical features of 1,785,918 individuals referred to our laboratory for NF1 testing. This variant is also known as p.Tyr998_Arg1038del; E18 skip. ClinVar contains an entry for this variant (Variation ID: 987118). Studies have shown that disruption of this splice site results in skipping of exon 23, but is expected to preserve the integrity of the reading-frame (PMID: 18546366; internal data). For these reasons, this variant has been classified as Pathogenic.

Variantyx, Inc.
Classification: Pathogenic for Neurofibromatosis, type 1. Last evaluated: 2025-11-10. Review status: criteria provided, single submitter. Criteria: Variantyx Assertion Criteria 2022. Collection method: clinical testing. Allele origin: germline. Inheritance: Autosomal dominant inheritance. Affected: yes.
Comment: This is a canonical splicing variant in the NF1 gene (OMIM: 613113). Pathogenic variants in this gene have been associated with autosomal dominant neurofibromatosis type 1. This splicing variant is expected to result in loss of function, which is a known disease mechanism for NF1 in this disorder (PMID: 34427956, 10543400) (PVS1). This variant has been reported in at least 3 affected individuals (PMID: 10543400, 18546366, 23913538) (PS4_Strong), while it is absent from control populations (PM2). Based on the current evidence, this variant is classified as pathogenic for autosomal dominant neurofibromatosis type 1.

Ambry Genetics
Classification: Pathogenic for Cardiovascular phenotype; Hereditary cancer-predisposing syndrome. Last evaluated: 2025-10-21. Review status: criteria provided, single submitter. Criteria: Ambry Variant Classification Scheme 2023. Collection method: clinical testing. Allele origin: germline.
Comment: The c.2991-2A>G intronic pathogenic mutation results from an A to G substitution two nucleotides upstream from coding exon 23 in the NF1 gene. Alterations that disrupt the canonical splice site are expected to result in aberrant splicing. In silico splice site analysis predicts that this alteration will weaken the native splice acceptor site. A resulting transcript is predicted to be in-frame and is not expected to trigger nonsense-mediated mRNAdecay; although, direct evidence is unavailable. However, the region predicted to be impacted is critical for protein function (Ambry internal data). RNA studies have demonstrated that this alteration results in a transcript predicted to lead to a protein with an in-frame deletion (Pros E et al. Hum Mutat, 2008 Sep;29:E173-93). This variant was reported in individuals with features consistent with neurofibromatosis type 1 (Fahsold R et al. Am J Hum Genet, 2000 Mar;66:790-818; von Stedingk K et al. Sci Rep, 2021 Mar;11:5307; Pros E et al. Hum Mutat, 2008 Sep;29:E173-93; Ambry internal data). Other variant(s) impacting the same acceptor site (c.2991-1G>C) have been identified in individual(s) with features consistent with neurofibromatosis type 1 (Ambry internal data). This variant is considered to be rare based on population cohorts in the Genome Aggregation Database (gnomAD). This nucleotide position is highly conserved in available vertebrate species. Based on the supporting evidence, this variant is interpreted as a disease-causing mutation.

NHS Central & South Genomic Laboratory Hub
Classification: Pathogenic for Neurofibromatosis type 1. Last evaluated: 2024-07-01. Review status: criteria provided, single submitter. Criteria: ACMG Guidelines, 2015. Collection method: clinical testing. Allele origin: germline. Affected: yes.

Institute for Genomic Medicine (IGM) Clinical Laboratory, Nationwide Children's Hospital
Classification: Likely pathogenic for Neurofibromatosis, type 1. Last evaluated: 2023-03-10. Review status: criteria provided, single submitter. Criteria: ACMG Guidelines, 2015. Collection method: clinical testing. Allele origin: germline.
Comment: Well-established functional studies have demonstrated this variant to have a damaging effect on protein function or splicing (ACMG/AMP: PS3_Moderate; PMID:18546366). This variant has been reported at an elevated frequency in affected individuals/in multiple affected individuals in the literature (ACMG/AMP: PS4_Moderate; PMIDs:28529006, 18546366, 10712197). This variant is absent from or present at an exceedingly low frequency in gnomAD, a large-scale control population database (ACMG/AMP: PM2). This variant is predicted to result in an in-frame insertion or deletion in a non-repetitive region (ACMG/AMP: PM4).

GeneDx
Classification: Pathogenic. Last evaluated: 2022-09-23. Review status: criteria provided, single submitter. Criteria: GeneDx Variant Classification Process June 2021. Collection method: clinical testing. Allele origin: germline. Affected: yes.
Comment: Canonical splice site variant demonstrated to result in aberrant splicing, resulting in exon skipping (Fahsold et al., 2000; Pros et al., 2008; Sabbagh et al., 2013); Not observed at significant frequency in large population cohorts (gnomAD); Deletions involving coding exons of this gene are a known mechanism of disease (HGMD); This variant is associated with the following publications: (PMID: 18546366, 33674644, 10712197, 10543400, 29673180, 28529006, 23913538, 16199547, 24357598)

Genome-Nilou Lab
Classification: Likely pathogenic for Neurofibromatosis, type 1. Last evaluated: 2022-03-15. Review status: criteria provided, single submitter. Criteria: ACMG Guidelines, 2015. Collection method: clinical testing. Allele origin: germline. Affected: no.

Institute of Medical Genetics and Applied Genomics, University Hospital Tübingen
Classification: Likely pathogenic. Last evaluated: 2020-10-23. Review status: criteria provided, single submitter. Criteria: ACMG Guidelines, 2015. Collection method: clinical testing. Allele origin: germline. Inheritance: Unknown mechanism. Affected: yes.

Blueprint Genetics
Classification: Pathogenic for NF1-related disorders. Last evaluated: 2020-08-07. Review status: criteria provided, single submitter. Criteria: ACMG Guidelines, 2015. Collection method: clinical testing. Allele origin: germline. Affected: yes. Observed: 1 variant allele.

Juno Genomics, Hangzhou Juno Genomics, Inc
Classification: Likely pathogenic for Neurofibromatosis, type 1; Juvenile myelomonocytic leukemia; Neurofibromatosis, familial spinal; Neurofibromatosis-Noonan syndrome; Café-au-lait macules with pulmonary stenosis. Review status: criteria provided, single submitter. Criteria: ACMG Guidelines, 2015. Collection method: clinical testing. Allele origin: germline. Affected: yes.
Comment: Absent from controls (or at extremely low frequency if recessive) in Genome Aggregation Database, Exome Sequencing Project, 1000 Genomes Project, or Exome Aggregation Consortium.;Null variant in a gene where loss of function (LOF) is a known mechanism of disease.;The prevalence of the variant in affected individuals is significantly increased compared to the prevalence in controls.;Patient's phenotype or family history is highly specific for a disease with a single genetic etiology.

Literature cited by the submitters: PubMed 10543400 (cited by Labcorp Genetics (formerly Invitae), Labcorp and Variantyx, Inc.); PubMed 10712197 (cited by 3 submitters); PubMed 24357598 (cited by Labcorp Genetics (formerly Invitae), Labcorp); PubMed 28529006 (cited by Labcorp Genetics (formerly Invitae), Labcorp and Institute for Genomic Medicine (IGM) Clinical Laboratory, Nationwide Children's Hospital); PubMed 29673180 (cited by Labcorp Genetics (formerly Invitae), Labcorp); PubMed 18546366 (cited by 4 submitters); PubMed 34427956 (cited by Variantyx, Inc.); PubMed 23913538 (cited by Variantyx, Inc.); PubMed 33674644 (cited by Ambry Genetics).